The following is an entry in ClinVar:

ClinVar aggregate classification (germline): Uncertain significance (1 of 4 stars; one submission).

Conditions:
Hereditary nonpolyposis colorectal neoplasms. Identifiers: MedGen C0009405, MeSH D003123.

Submission:

Labcorp Genetics (formerly Invitae), Labcorp
Classification: Uncertain significance for Hereditary nonpolyposis colorectal neoplasms. Last evaluated: 2015-05-22. Review status: criteria provided, single submitter. Criteria: Invitae Variant Classification Sherloc (09022015). Collection method: clinical testing. Allele origin: germline.
Comment: In summary, this is a novel missense change that is not predicted to affect protein function or cause disease. However the evidence is insufficient at this time to prove that conclusively. It has been classified as a Variant of Uncertain Significance. This variant has not been published in the literature and is not present in population databases. Algorithms developed to predict the effect of missense changes on protein structure and function (SIFT, PolyPhen-2, Align-GVGD) all suggest that this variant is likely to be tolerated, but these predictions have not been confirmed by published functional studies. This sequence change replaces threonine with serine at codon 576 of the PMS2 protein (p.Thr576Ser). The threonine residue is weakly conserved and there is a small physicochemical difference between threonine and serine.

NM_000535.7(PMS2):c.1726A>T (p.Thr576Ser)

Gene: PMS2 (PMS1 homolog 2, mismatch repair system component; minus strand). Cytogenetic location: 7p22.1.
Variant type: single nucleotide variant.
Coding change: c.1726A>T on transcript NM_000535.7 (MANE Select); coding-DNA position 1726, A replaced by T.
Protein change: p.Thr576Ser; replaces threonine 576 with serine.
Molecular consequence: missense variant. On other transcripts: non-coding transcript variant (1).
Genome position (GRCh38, 1-based): chr7:5,987,039, T>A on the plus strand (A>T on the coding strand, the complement: PMS2 is on the minus strand). VCF-style: chr7-5987039-T-A. GRCh37 (hg19) VCF-style: chr7-6026670-T-A.
Other names: c.1321A>T, p.Thr441Ser (NM_001322003.2, NM_001322004.2, NM_001322005.2 and 1 more transcripts); c.1570A>T, p.Thr524Ser (NM_001322006.2); c.1408A>T, p.Thr470Ser (NM_001322007.2, NM_001322008.2); c.1165A>T, p.Thr389Ser (NM_001322010.2); c.793A>T, p.Thr265Ser (NM_001322011.2, NM_001322012.2); c.1153A>T, p.Thr385Ser (NM_001322013.2); c.1726A>T, p.Thr576Ser (NM_001322014.2); c.1417A>T, p.Thr473Ser (NM_001322015.2); short protein forms T576S, T389S, T473S, T524S, T385S, T470S, T265S, T441S.
Identifiers: ClinVar variation 216454 (VCV000216454.8), dbSNP rs863224677, ClinGen allele CA337356.
Genomic context (GRCh38, chr7:5,987,039, plus strand): 5'-TTACTAACTTTTGACAAATGTCAGAACTGGAAAGAATTTCTTCTTTTTTAAAACGCTTTG[T>A]GTTTGGGGTTGCGAGATTAGTTGGCTGAGGCAAAACTCGAAATTTACATCCGGTATCTTC-3'
Protein context (NP_000526.2, residues 566-586): PQPTNLATPN[Thr576Ser]KRFKKEEILS